The following is an entry in ClinVar:

ClinVar aggregate classification (germline): Uncertain significance (1 of 4 stars; one submission).

Conditions:
Walker-Warburg congenital muscular dystrophy. Also called: Muscular dystrophy-dystroglycanopathy, type A; Walker-Warburg syndrome. Identifiers: Orphanet 899, MedGen C0265221, MONDO:0000171.
Autosomal recessive limb-girdle muscular dystrophy type 2K. Also called: MUSCULAR DYSTROPHY-DYSTROGLYCANOPATHY (LIMB-GIRDLE), TYPE C, 1; MUSCULAR DYSTROPHY, LIMB-GIRDLE, TYPE 2K. Identifiers: Orphanet 86812, MedGen C1836373, MONDO:0012248, OMIM 609308.
Muscular dystrophy-dystroglycanopathy (congenital with impaired intellectual development), type B, 1. Also called: Muscular dystrophy-dystroglycanopathy (congenital with intellectual disability), type B1; MUSCULAR DYSTROPHY, CONGENITAL, POMT1-RELATED. Identifiers: MedGen C5436962, MONDO:0013159, OMIM 613155.

Submission:

Labcorp Genetics (formerly Invitae), Labcorp
Classification: Uncertain significance for Muscular dystrophy-dystroglycanopathy (congenital with impaired intellectual development), type B, 1; Walker-Warburg congenital muscular dystrophy; Autosomal recessive limb-girdle muscular dystrophy type 2K. Last evaluated: 2022-07-26. Review status: criteria provided, single submitter. Criteria: Invitae Variant Classification Sherloc (09022015). Collection method: clinical testing. Allele origin: germline.
Comment: Algorithms developed to predict the effect of missense changes on protein structure and function are either unavailable or do not agree on the potential impact of this missense change (SIFT: "Tolerated"; PolyPhen-2: "Probably Damaging"; Align-GVGD: "Class C0"). In summary, the available evidence is currently insufficient to determine the role of this variant in disease. Therefore, it has been classified as a Variant of Uncertain Significance. ClinVar contains an entry for this variant (Variation ID: 1499583). This sequence change replaces threonine, which is neutral and polar, with serine, which is neutral and polar, at codon 472 of the POMT1 protein (p.Thr472Ser). This variant is not present in population databases (gnomAD no frequency). This variant has not been reported in the literature in individuals affected with POMT1-related conditions.

NM_001077365.2(POMT1):c.1348A>T (p.Thr450Ser)

Gene: POMT1 (protein O-mannosyltransferase 1; plus strand). Cytogenetic location: 9q34.13.
Variant type: single nucleotide variant.
Coding change: c.1348A>T on transcript NM_001077365.2 (MANE Select); coding-DNA position 1348, A replaced by T.
Protein change: p.Thr450Ser; replaces threonine 450 with serine.
Molecular consequence: missense variant. On other transcripts: non-coding transcript variant (10).
Genome position (GRCh38, 1-based): chr9:131,518,520, A>T. VCF-style: chr9-131518520-A-T. GRCh37 (hg19) VCF-style: chr9-134393907-A-T.
Other names: c.1186A>T, p.Thr396Ser (NM_001077366.2, NM_001353194.2); c.1348A>T, p.Thr450Ser (NM_001136113.2, NM_001374690.1); c.997A>T, p.Thr333Ser (NM_001136114.2, NM_001353195.2, NM_001374691.1 and 2 more transcripts); c.1414A>T, p.Thr472Ser (NM_001353193.2, NM_007171.4); c.1258A>T, p.Thr420Ser (NM_001353196.2); c.1252A>T, p.Thr418Ser (NM_001353197.2, NM_001353198.2); c.1063A>T, p.Thr355Ser (NM_001353199.2); c.892A>T, p.Thr298Ser (NM_001353200.2); and 2 more; short protein forms T355S, T396S, T418S, T420S, T446S, T333S, T320S, T472S.
Identifiers: ClinVar variation 1499583 (VCV001499583.8), dbSNP rs2131848872, ClinGen allele CA375311481.